The following is an entry in ClinVar:

NM_004415.4(DSP):c.440A>T (p.Glu147Val)

Gene: DSP (desmoplakin; plus strand). Cytogenetic location: 6p24.3.
Variant type: single nucleotide variant.
Coding change: c.440A>T on transcript NM_004415.4 (MANE Select); coding-DNA position 440, A replaced by T.
Protein change: p.Glu147Val; replaces glutamic acid 147 with valine.
Molecular consequence: missense variant.
Genome position (GRCh38, 1-based): chr6:7,559,243, A>T. VCF-style: chr6-7559243-A-T. GRCh37 (hg19) VCF-style: chr6-7559476-A-T.
Other names: p.E147V:GAG>GTG; c.440A>T (LRG_423t1); c.440A>T, p.Glu147Val (NM_001008844.3, NM_001319034.2); short protein forms E147V.
Identifiers: ClinVar variation 199850 (VCV000199850.4), dbSNP rs794728108, ClinGen allele CA006077.
Genomic context (GRCh38, chr6:7,559,243, plus strand): 5'-AGGCTGTTTTCCTGCAGTGGTTTAAAGGTTTTTTTCTTTGCAGGCTTCTTCAGCTCCAAG[A>T]GCAAATGCGAGCCCTTTATAAAGCCATCAGTGTCCCTCGAGTCCGCAGGGCCAGCTCCAA-3'
Protein context (NP_004406.2, residues 137-157): AYQKRLLQLQ[Glu147Val]QMRALYKAIS

ClinVar aggregate classification (germline): Uncertain significance. Review status: criteria provided, multiple submitters, no conflicts (2 of 4 stars). 3 submissions from 3 submitters: Uncertain significance (3). Last evaluated 2026-02-16.

Conditions:
Cardiovascular phenotype. Identifiers: MedGen CN230736.
Arrhythmogenic cardiomyopathy with wooly hair and keratoderma. Also called: PALMOPLANTAR KERATODERMA WITH LEFT VENTRICULAR CARDIOMYOPATHY AND WOOLLY HAIR; Arrhythmogenic cardiomyopathy with woolly hair and keratoderma; Carvajal syndrome; Dilated cardiomyopathy with woolly hair and keratoderma. Identifiers: Orphanet 65282, MedGen C1854063, MONDO:0011581, OMIM 605676.
Arrhythmogenic right ventricular dysplasia 8 (ARVD8). Also called: ARRHYTHMOGENIC RIGHT VENTRICULAR DYSPLASIA, FAMILIAL, 8; ARRHYTHMOGENIC RIGHT VENTRICULAR CARDIOMYOPATHY 8; Arrhythmogenic Right Ventricular Dysplasia/Cardiomyopathy 8. Identifiers: MedGen C1843896, MONDO:0011831, OMIM 607450.

Submissions (3):

Ambry Genetics
Classification: Uncertain significance for Cardiovascular phenotype. Last evaluated: 2026-02-16. Review status: criteria provided, single submitter. Criteria: Ambry Variant Classification Scheme 2023. Collection method: clinical testing. Allele origin: germline.

Labcorp Genetics (formerly Invitae), Labcorp
Classification: Uncertain significance for Arrhythmogenic cardiomyopathy with wooly hair and keratoderma; Arrhythmogenic right ventricular dysplasia 8. Last evaluated: 2025-04-21. Review status: criteria provided, single submitter. Criteria: Invitae Variant Classification Sherloc (09022015). Collection method: clinical testing. Allele origin: germline.
Comment: This sequence change replaces glutamic acid, which is acidic and polar, with valine, which is neutral and non-polar, at codon 147 of the DSP protein (p.Glu147Val). This variant is not present in population databases (gnomAD no frequency). This variant has not been reported in the literature in individuals affected with DSP-related conditions. ClinVar contains an entry for this variant (Variation ID: 199850). An algorithm developed to predict the effect of missense changes on protein structure and function (PolyPhen-2) suggests that this variant is likely to be disruptive. In summary, the available evidence is currently insufficient to determine the role of this variant in disease. Therefore, it has been classified as a Variant of Uncertain Significance.

GeneDx
Classification: Uncertain significance. Last evaluated: 2014-08-27. Review status: criteria provided, single submitter. Criteria: GeneDx Variant Classification (06012015). Collection method: clinical testing. Allele origin: germline. Affected: yes.
Comment: p.Glu147Val (GAG>GTG): c.440 A>T in exon 4 of the DSP gene (NM_004415.2). The E147V variant has not been published as a mutation, nor has it been reported as a benign polymorphism to our knowledge. The E147V variant was not observed in approximately 6,500 individuals of European and African American ancestry in the NHLBI Exome Sequencing Project, indicating it is not a common benign variant in these populations. The E147V variant is a non-conservative amino acid substitution, which is likely to impact secondary protein structure as these residues differ in polarity, charge, size and/or other properties. Additionally, this substitution occurs at a position that is conserved across species and in silico analysis predicts this variant is probably damaging to the protein structure/function. However, missense mutations in nearby residues have not been reported, indicating this region of the protein may be tolerant of change. Therefore, based on the currently available information, it is unclear whether this variant is a pathogenic mutation or a rare benign variant. The variant is found in CARDIOMYOPATHY panel(s).